The following is an entry in ClinVar:

ClinVar aggregate classification (germline): Uncertain significance (1 of 4 stars; one submission).

gnomAD v4.1: 5 of 1,613,036 alleles (0.00031%); no homozygotes.

Submission:

Labcorp Genetics (formerly Invitae), Labcorp
Classification: Uncertain significance. Last evaluated: 2024-03-26. Review status: criteria provided, single submitter. Criteria: Invitae Variant Classification Sherloc (09022015). Collection method: clinical testing. Allele origin: germline.
Comment: This sequence change replaces isoleucine, which is neutral and non-polar, with threonine, which is neutral and polar, at codon 1668 of the KMT2E protein (p.Ile1668Thr). This variant is present in population databases (no rsID available, gnomAD 0.004%). This variant has not been reported in the literature in individuals affected with KMT2E-related conditions. An algorithm developed to predict the effect of missense changes on protein structure and function (PolyPhen-2) suggests that this variant is likely to be tolerated. In summary, the available evidence is currently insufficient to determine the role of this variant in disease. Therefore, it has been classified as a Variant of Uncertain Significance.

NM_182931.3(KMT2E):c.5003T>C (p.Ile1668Thr)

Gene: KMT2E (lysine methyltransferase 2E (inactive); plus strand). Cytogenetic location: 7q22.3.
Variant type: single nucleotide variant.
Coding change: c.5003T>C on transcript NM_182931.3 (MANE Select); coding-DNA position 5003, T replaced by C.
Protein change: p.Ile1668Thr; replaces isoleucine 1668 with threonine.
Molecular consequence: missense variant.
Genome position (GRCh38, 1-based): chr7:105,112,759, T>C. VCF-style: chr7-105112759-T-C. GRCh37 (hg19) VCF-style: chr7-104753206-T-C.
Other names: c.4877T>C, p.Ile1626Thr (NM_001410908.1); c.5003T>C, p.Ile1668Thr (NM_018682.4); short protein forms I1626T, I1668T.
Identifiers: ClinVar variation 3647657 (VCV003647657.2).
Genomic context (GRCh38, chr7:105,112,759, plus strand): 5'-AGCAACACTCTGTAGCACATGTAGTAGGGCCTGTTCATGCGGTCACCCCTGGGTCGCATA[T>C]TCATTCTCAAACTGCTGGACACCACTTACCCCCACCCCCACCCCCTCCTGGTCCTGCCCC-3'
Protein context (NP_891847.1, residues 1658-1678): PVHAVTPGSH[Ile1668Thr]HSQTAGHHLP